The following is an entry in ClinVar:

NM_000157.4(GBA1):c.314T>C (p.Leu105Pro)

Genes: GBA1 (glucosylceramidase beta 1; minus strand), LOC106627981 (GBA recombination region; plus strand). Cytogenetic location: 1q22.
Variant type: single nucleotide variant.
Coding change: c.314T>C on transcript NM_000157.4 (MANE Select); coding-DNA position 314, T replaced by C.
Protein change: p.Leu105Pro; replaces leucine 105 with proline.
Molecular consequence: missense variant. On other transcripts: intron variant (1).
Genome position (GRCh38, 1-based): chr1:155,239,756, A>G on the plus strand (T>C on the coding strand, the complement: GBA1 is on the minus strand). VCF-style: chr1-155239756-A-G. GRCh37 (hg19) VCF-style: chr1-155209547-A-G.
Other names: p.Leu105Pro; c.314T>C, p.Leu105Pro (NM_001005741.3, NM_001005742.3); c.53T>C, p.Leu18Pro (NM_001171811.2); c.307+130T>C (NM_001171812.2); c.314T>C (NM_000157.3); short protein forms L105P, L18P.
Identifiers: ClinVar variation 1691424 (VCV001691424.7), dbSNP rs1423108738, ClinGen allele CA342726566.

ClinVar aggregate classification (germline): Conflicting classifications of pathogenicity. Review status: criteria provided, conflicting classifications (1 of 4 stars). 2 submissions from 2 submitters: Likely pathogenic (1); Uncertain significance (1). Last evaluated 2024-07-12.

Conditions:
Gaucher disease. Also called: Acute cerebral Gaucher disease; Cerebroside lipidosis syndrome; Gaucher splenomegaly; Sphingolipidosis 1; Glucocerebrosidosis; Glucosylceramidase deficiency. Identifiers: Orphanet 355, MedGen C0017205, MONDO:0018150.

Allele frequency attached by ClinVar (database versions not stated): gnomAD exomes below 0.00001 and 0.00001.
gnomAD v4.1: 9 of 1,614,056 alleles (0.00056%); highest among the groups gnomAD compares: South Asian, 0.0011%; no homozygotes.

Submissions (2):

Natera, Inc.
Classification: Likely pathogenic for Gaucher disease. Last evaluated: 2024-07-12. Review status: criteria provided, single submitter. Criteria: Natera Variant Classification Schema (03/2026). Collection method: clinical testing. Allele origin: germline.
Comment: The c.314T>C variant in GBA1 is a missense variant predicted to cause substitution of leucine to proline at amino acid 105. This variant is rare in the general population with a frequency below the threshold expected for the associated phenotype(s). This variant has been observed in one or more individuals affected with the associated recessive disease, as either homozygous or compound heterozygous with a second variant (PMID: 30637984, 34649574). Computational prediction algorithms indicate this variant is likely to affect gene or protein function. Given the available evidence, this variant is classified as Likely Pathogenic.

Mayo Clinic Laboratories, Mayo Clinic
Classification: Uncertain significance. Last evaluated: 2021-11-29. Review status: criteria provided, single submitter. Criteria: ACMG Guidelines, 2015. Collection method: clinical testing. Allele origin: germline.

Literature cited by the submitters: PubMed 30637984 (cited by Natera, Inc.); PubMed 34649574 (cited by Natera, Inc.).